The following is an entry in ClinVar:

ClinVar aggregate classification (germline): Likely benign (0 of 4 stars; one submission).

Conditions:
BBS2-related disorder. Also called: BBS2-related disorders; BBS2-related condition. Identifiers: MedGen CN239228.

Submission:

PreventionGenetics, part of Exact Sciences
Classification: Likely benign for BBS2-related condition. Last evaluated: 2024-03-13. Review status: no assertion criteria provided. Collection method: clinical testing. Allele origin: germline.
Comment: This variant is classified as likely benign based on ACMG/AMP sequence variant interpretation guidelines (Richards et al. 2015 PMID: 25741868, with internal and published modifications).

NM_031885.5(BBS2):c.459T>C (p.Asp153=)

Gene: BBS2 (Bardet-Biedl syndrome 2; minus strand). Cytogenetic location: 16q13.
Variant type: single nucleotide variant.
Coding change: c.459T>C on transcript NM_031885.5 (MANE Select); coding-DNA position 459, T replaced by C.
Protein change: p.Asp153=; no amino-acid change (aspartic acid 153 retained).
Molecular consequence: synonymous variant. On other transcripts: non-coding transcript variant (5).
Genome position (GRCh38, 1-based): chr16:56,511,171, A>G on the plus strand (T>C on the coding strand, the complement: BBS2 is on the minus strand). VCF-style: chr16-56511171-A-G. GRCh37 (hg19) VCF-style: chr16-56545083-A-G.
Other names: c.459T>C, p.Asp153= (NM_001377456.1).
Identifiers: ClinVar variation 3349964 (VCV003349964.1).